The following is an entry in ClinVar:

ClinVar aggregate classification (germline): Uncertain significance. Review status: criteria provided, multiple submitters, no conflicts (2 of 4 stars). 2 submissions from 2 submitters: Uncertain significance (2). Last evaluated 2025-08-24.

Allele frequency attached by ClinVar (database versions not stated): ExAC 0.00004; gnomAD 0.00006; TOPMed 0.00009; 1000 Genomes Project 30x 0.00031.
gnomAD v4.1: 19 of 1,567,738 alleles (0.0012%); highest among the groups gnomAD compares: African/African-American, 0.019%; no homozygotes.

Submissions (2):

Ambry Genetics
Classification: Uncertain significance. Last evaluated: 2025-08-24. Review status: criteria provided, single submitter. Criteria: Ambry Variant Classification Scheme 2023. Collection method: clinical testing. Allele origin: germline.

Labcorp Genetics (formerly Invitae), Labcorp
Classification: Uncertain significance. Last evaluated: 2025-03-17. Review status: criteria provided, single submitter. Criteria: Invitae Variant Classification Sherloc (09022015). Collection method: clinical testing. Allele origin: germline.
Comment: This sequence change replaces arginine, which is basic and polar, with tryptophan, which is neutral and slightly polar, at codon 147 of the DGKZ protein (p.Arg147Trp). This variant is present in population databases (rs779232338, gnomAD 0.02%). This variant has not been reported in the literature in individuals affected with DGKZ-related conditions. ClinVar contains an entry for this variant (Variation ID: 2140236). An algorithm developed to predict the effect of missense changes on protein structure and function outputs the following: PolyPhen-2: "Benign". The tryptophan amino acid residue is found in multiple mammalian species, which suggests that this missense change does not adversely affect protein function. In summary, the available evidence is currently insufficient to determine the role of this variant in disease. Therefore, it has been classified as a Variant of Uncertain Significance.

NM_001199267.2(DGKZ):c.162-596C>T

Gene: DGKZ (diacylglycerol kinase zeta; plus strand). Cytogenetic location: 11p11.2.
Variant type: single nucleotide variant.
Coding change: c.162-596C>T on transcript NM_001199267.2 (MANE Select); 596 bases into the intron before coding-DNA position 162, C replaced by T.
Molecular consequence: intron variant. On other transcripts: missense variant (1).
Genome position (GRCh38, 1-based): chr11:46,366,695, C>T. VCF-style: chr11-46366695-C-T. GRCh37 (hg19) VCF-style: chr11-46388245-C-T.
Other names: c.439C>T, p.Arg147Trp (NM_001105540.2); c.213-596C>T (NM_201532.3); c.177-596C>T (NM_201533.3); c.162-596C>T (NM_001199266.2, NM_003646.4, NM_001199268.2); c.439C>T (NM_001105540.1); short protein forms R147W.
Identifiers: ClinVar variation 2140236 (VCV002140236.5), dbSNP rs779232338, ClinGen allele CA5962160.
Genomic context (GRCh38, chr11:46,366,695, plus strand): 5'-GTAGCCGAGGCATCGAGCGCCATCCAGCCAGGCACCAAGACACCAGGGCCACCCCCACCT[C>T]GGGGCGCCCAGCCGCTGTTGCCCCTACCCCGCTACCTGCGCCGAGCCTCCTCCCACCTGC-3'